The following is an entry in ClinVar:

ClinVar aggregate classification (germline): Conflicting classifications of pathogenicity. Review status: criteria provided, conflicting classifications (1 of 4 stars). 3 submissions from 3 submitters: Uncertain significance (1); Likely benign (2). Last evaluated 2025-12-23.

Conditions:
3-methylcrotonyl-CoA carboxylase 2 deficiency. Also called: METHYLCROTONYLGLYCINURIA, TYPE II; 3 alpha methylcrotonyl-CoA carboxylase 2 deficiency; 3 alpha methylcrotonylglycinuria 2; MCC 2 deficiency; Methylcrotonylglycinuria type 2. Identifiers: Orphanet 6, MedGen C1859499, MONDO:0008862, OMIM 210210.

Allele frequency attached by ClinVar (database versions not stated): gnomAD exomes 0.00001 and 0.00004; gnomAD 0.00002 and 0.00003; ExAC 0.00003; TOPMed 0.00003; ESP Exome Variant Server 0.00008.
gnomAD v4.1: 25 of 1,614,022 alleles (0.0015%); highest among the groups gnomAD compares: Admixed American, 0.0067%; no homozygotes.

Submissions (3):

Labcorp Genetics (formerly Invitae), Labcorp
Classification: Likely benign for 3-methylcrotonyl-CoA carboxylase 2 deficiency. Last evaluated: 2025-12-23. Review status: criteria provided, single submitter. Criteria: Invitae Variant Classification Sherloc (09022015). Collection method: clinical testing. Allele origin: germline.

GeneDx
Classification: Likely benign. Last evaluated: 2018-01-23. Review status: criteria provided, single submitter. Criteria: GeneDx Variant Classification (06012015). Collection method: clinical testing. Allele origin: germline. Affected: yes.
Comment: This variant is considered likely benign or benign based on one or more of the following criteria: it is a conservative change, it occurs at a poorly conserved position in the protein, it is predicted to be benign by multiple in silico algorithms, and/or has population frequency not consistent with disease.

Illumina Laboratory Services, Illumina
Classification: Uncertain significance for 3-methylcrotonyl-CoA carboxylase 2 deficiency. Last evaluated: 2018-01-13. Review status: criteria provided, single submitter. Criteria: ICSL Variant Classification Criteria 13 December 2019. Collection method: clinical testing. Allele origin: germline.

NM_022132.5(MCCC2):c.864G>A (p.Arg288=)

Gene: MCCC2 (methylcrotonyl-CoA carboxylase subunit 2; plus strand). Cytogenetic location: 5q13.2.
Variant type: single nucleotide variant.
Coding change: c.864G>A on transcript NM_022132.5 (MANE Select); coding-DNA position 864, G replaced by A.
Protein change: p.Arg288=; no amino-acid change (arginine 288 retained).
Molecular consequence: synonymous variant.
Genome position (GRCh38, 1-based): chr5:71,635,003, G>A. VCF-style: chr5-71635003-G-A. GRCh37 (hg19) VCF-style: chr5-70930830-G-A.
Other names: c.750G>A, p.Arg250= (NM_001363147.1).
Identifiers: ClinVar variation 515122 (VCV000515122.14), dbSNP rs368236133, ClinGen allele CA3297908.
Genomic context (GRCh38, chr5:71,635,003, plus strand): 5'-AAAGTCTGGAGTAAGTGACCACTGGGCTTTGGATGATCATCATGCCCTTCACTTAACTAG[G>A]AAGGTTGTGAGGAATCTAAATTATCAGAAGAAATTGGATGTGAGTACGATATGTTCTTAT-3'
Protein context (NP_071415.1, residues 278-298): LDDHHALHLT[Arg288=]KVVRNLNYQK